The following is an entry in ClinVar:

NM_006269.2(RP1):c.3640A>T (p.Thr1214Ser)

Gene: RP1 (RP1 axonemal microtubule associated; plus strand). Cytogenetic location: 8q12.1.
Variant type: single nucleotide variant.
Coding change: c.3640A>T on transcript NM_006269.2 (MANE Select); coding-DNA position 3640, A replaced by T.
Protein change: p.Thr1214Ser; replaces threonine 1214 with serine.
Molecular consequence: missense variant. On other transcripts: intron variant (1).
Genome position (GRCh38, 1-based): chr8:54,627,522, A>T. VCF-style: chr8-54627522-A-T. GRCh37 (hg19) VCF-style: chr8-55540082-A-T.
Other names: c.787+5234A>T (NM_001375654.1); short protein forms T1214S.
Identifiers: ClinVar variation 2013587 (VCV002013587.4), dbSNP rs2536580225, ClinGen allele CA370996936.

ClinVar aggregate classification (germline): Uncertain significance (1 of 4 stars; one submission).

Submission:

Labcorp Genetics (formerly Invitae), Labcorp
Classification: Uncertain significance. Last evaluated: 2022-07-03. Review status: criteria provided, single submitter. Criteria: Invitae Variant Classification Sherloc (09022015). Collection method: clinical testing. Allele origin: germline.
Comment: This variant is not present in population databases (gnomAD no frequency). This sequence change replaces threonine, which is neutral and polar, with serine, which is neutral and polar, at codon 1214 of the RP1 protein (p.Thr1214Ser). In summary, the available evidence is currently insufficient to determine the role of this variant in disease. Therefore, it has been classified as a Variant of Uncertain Significance. Algorithms developed to predict the effect of missense changes on protein structure and function (SIFT, PolyPhen-2, Align-GVGD) all suggest that this variant is likely to be tolerated. This variant has not been reported in the literature in individuals affected with RP1-related conditions.